The following is an entry in ClinVar:

NM_001271.4(CHD2):c.2667_2668insGTTTTG (p.Trp889_Asn890insValLeu)

Gene: CHD2 (chromodomain helicase DNA binding protein 2; plus strand). Cytogenetic location: 15q26.1.
Variant type: Insertion.
Coding change: c.2667_2668insGTTTTG on transcript NM_001271.4 (MANE Select); coding-DNA positions 2667 to 2668, GTTTTG inserted.
Protein change: p.Trp889_Asn890insValLeu.
Molecular consequence: inframe insertion.
Genome position: GRCh38 VCF-style: chr15-92978322-G-GGGTTTT. GRCh37 (hg19) VCF-style: chr15-93521552-G-GGGTTTT.
Identifiers: ClinVar variation 1320064 (VCV001320064.1), dbSNP rs2141843225, ClinGen allele CA2573054124.

ClinVar aggregate classification (germline): Likely pathogenic (1 of 4 stars; one submission).

Conditions:
Developmental and epileptic encephalopathy 94 (DEE94). Also called: CHD2-Related Neurodevelopmental Disorders; Epileptic encephalopathy, childhood-onset. Identifiers: Orphanet 1942, Orphanet 2382, MedGen C3809278, MONDO:0014150, OMIM 615369.

Submission:

3billion
Classification: Likely pathogenic for Developmental and epileptic encephalopathy 94. Last evaluated: 2021-10-02. Review status: criteria provided, single submitter. Criteria: ACMG Guidelines, 2015. Collection method: clinical testing. Allele origin: germline. Affected: yes. Observed: 1 heterozygote.
Comment: Inframe deletion located in a nonrepeat region: predicted to change the length of the protein and disrupt normal protein function. The variant is located in a mutational hot spot and/or well-established functional domain in which established pathogenic variants have been reported (PM1). It is not observed in the gnomAD v2.1.1 dataset (PM2). The variant was observed as assumed (i.e. paternity and maternity not confirmed) de novoo (3billion dataset, PM6). Therefore, this variant is classified as likely pathogenic according to the recommendation of ACMG/AMP guideline